The following is an entry in ClinVar:

ClinVar aggregate classification (germline): Likely benign. Review status: criteria provided, multiple submitters, no conflicts (2 of 4 stars). 4 submissions from 4 submitters: Likely benign (4). Last evaluated 2026-04-01.

Conditions:
Migraine, familial hemiplegic, 1. Also called: MIGRAINE, FAMILIAL HEMIPLEGIC 1, WITH PROGRESSIVE CEREBELLAR ATAXIA. Identifiers: Orphanet 569, MedGen C1832884, MONDO:0020756, OMIM 141500, MONDO:0007714.
Episodic ataxia type 2 (EA2). Also called: ATAXIA, EPISODIC, WITH NYSTAGMUS; ATAXIA, FAMILIAL PAROXYSMAL; CEREBELLAR ATAXIA, PAROXYSMAL, ACETAZOLAMIDE-RESPONSIVE; CEREBELLOPATHY, HEREDITARY PAROXYSMAL; EPISODIC ATAXIA, NYSTAGMUS-ASSOCIATED; ACETAZOLAMIDE-RESPONSIVE HEREDITARY PAROXYSMAL CEREBELLAR ATAXIA. Identifiers: Orphanet 97, MedGen C1720416, MONDO:0007163, OMIM 108500.
Developmental and epileptic encephalopathy, 42 (DEE42A). Also called: EPILEPTIC ENCEPHALOPATHY, EARLY INFANTILE, 42A; Epileptic encephalopathy, early infantile, 42; DEVELOPMENTAL AND EPILEPTIC ENCEPHALOPATHY 42A. Identifiers: MedGen C4310716, MONDO:0014917, OMIM 617106.
Spinocerebellar ataxia type 6 (SCA6). Identifiers: Orphanet 98758, MedGen C0752124, MONDO:0008457, OMIM 183086.

Allele frequency attached by ClinVar (database versions not stated): ExAC 0.00010; TOPMed 0.00013; 1000 Genomes Project 0.00040; 1000 Genomes Project 30x 0.00062; gnomAD exomes 0.00067 and 0.00167; gnomAD 0.00125 and 0.00130.
gnomAD v4.1: 1,072 of 1,473,788 alleles (0.073%); highest among the groups gnomAD compares: Non-Finnish European, 0.026%; 8 homozygotes.

Submissions (4):

CeGaT Center for Human Genetics Tuebingen
Classification: Likely benign. Last evaluated: 2026-04-01. Review status: criteria provided, single submitter. Criteria: CeGaT Center For Human Genetics Tuebingen Variant Classification Criteria Version 2. Collection method: clinical testing. Allele origin: germline. Affected: yes. Observed: 2 variant alleles.
Comment: CACNA1A: BS1

Blueprint Genetics
Classification: Likely benign. Last evaluated: 2024-11-21. Review status: criteria provided, single submitter. Criteria: ACMG Guidelines, 2015. Collection method: clinical testing. Allele origin: germline.

Fulgent Genetics
Classification: Likely benign for Episodic ataxia type 2; Migraine, familial hemiplegic, 1; Spinocerebellar ataxia type 6; Developmental and epileptic encephalopathy, 42. Last evaluated: 2022-03-21. Review status: criteria provided, single submitter. Criteria: ACMG Guidelines, 2015. Collection method: clinical testing. Allele origin: unknown.

GeneDx
Classification: Likely benign. Last evaluated: 2018-08-31. Review status: criteria provided, single submitter. Criteria: GeneDx Variant Classification Process June 2021. Collection method: clinical testing. Allele origin: germline. Affected: yes.

NM_001127222.2(CACNA1A):c.7262C>T (p.Pro2421Leu)

Gene: CACNA1A (calcium voltage-gated channel subunit alpha1 A; minus strand). Cytogenetic location: 19p13.13.
Variant type: single nucleotide variant.
Coding change: c.7262C>T on transcript NM_001127222.2 (MANE Select); coding-DNA position 7262, C replaced by T.
Protein change: p.Pro2421Leu; replaces proline 2421 with leucine.
Molecular consequence: missense variant. On other transcripts: 3 prime UTR variant (3).
Genome position (GRCh38, 1-based): chr19:13,207,572, G>A on the plus strand (C>T on the coding strand, the complement: CACNA1A is on the minus strand). VCF-style: chr19-13207572-G-A. GRCh37 (hg19) VCF-style: chr19-13318386-G-A.
Other names: c.*474C>T (NM_000068.4, NM_001127221.2, NM_001174080.2); c.7280C>T, p.Pro2427Leu (NM_023035.3); short protein forms P2421L, P2427L.
Identifiers: ClinVar variation 1207373 (VCV001207373.29), dbSNP rs573961089, ClinGen allele CA9239196.